The following is an entry in ClinVar:

NM_032043.3(BRIP1):c.1629-13T>C

Gene: BRIP1 (BRCA1 interacting DNA helicase 1; minus strand). Cytogenetic location: 17q23.2.
Variant type: single nucleotide variant.
Coding change: c.1629-13T>C on transcript NM_032043.3 (MANE Select); 13 bases into the intron before coding-DNA position 1629, T replaced by C.
Molecular consequence: intron variant.
Genome position (GRCh38, 1-based): chr17:61,781,018, A>G on the plus strand (T>C on the coding strand, the complement: BRIP1 is on the minus strand). VCF-style: chr17-61781018-A-G. GRCh37 (hg19) VCF-style: chr17-59858379-A-G.
Identifiers: ClinVar variation 1558519 (VCV001558519.10), dbSNP rs2145098509, ClinGen allele CA2573154312.

ClinVar aggregate classification (germline): Likely benign. Review status: criteria provided, multiple submitters, no conflicts (2 of 4 stars). 2 submissions from 2 submitters: Likely benign (2). Last evaluated 2025-04-11.

Conditions:
Familial cancer of breast. Also called: hereditary breast carcinoma; BREAST CANCER, FAMILIAL; Hereditary breast cancer. Identifiers: Orphanet 227535, MedGen C0346153, MONDO:0016419, OMIM 114480. Disease mechanism: loss of function.
Fanconi anemia complementation group J. Also called: BRIP1-Related Fanconi Anemia. Identifiers: Orphanet 84, MedGen C1836860, MONDO:0012187, OMIM 609054.

Allele frequency attached by ClinVar (database versions not stated): gnomAD exomes below 0.00001.
gnomAD v4.1: 1 of 1,613,342 alleles (0.000062%); highest among the groups gnomAD compares: Non-Finnish European, 0.000085%; no homozygotes.

Submissions (2):

Labcorp Genetics (formerly Invitae), Labcorp
Classification: Likely benign for Familial cancer of breast; Fanconi anemia complementation group J. Last evaluated: 2025-04-11. Review status: criteria provided, single submitter. Criteria: Invitae Variant Classification Sherloc (09022015). Collection method: clinical testing. Allele origin: germline.

Myriad Genetics, Inc.
Classification: Likely benign for Familial cancer of breast. Last evaluated: 2024-08-28. Review status: criteria provided, single submitter. Criteria: Myriad Autosomal Dominant, Autosomal Recessive and X-Linked Classification Criteria (2023). Collection method: clinical testing. Allele origin: unknown.
Comment: This variant is considered likely benign. This variant is intronic and is not expected to impact mRNA splicing.